The following is an entry in ClinVar:

ClinVar aggregate classification (germline): Conflicting classifications of pathogenicity. Review status: criteria provided, conflicting classifications (1 of 4 stars). 2 submissions from 2 submitters: Uncertain significance (1); Likely benign (1). Last evaluated 2025-05-05.

Conditions:
Autosomal dominant hypocalcemia 1 (HYPOC1). Also called: HYPOCALCEMIA, FAMILIAL. Identifiers: MedGen C3715128, MONDO:0011013, OMIM 601198.
Familial hypocalciuric hypercalcemia (FHH). Also called: Familial benign hypercalcemia. Identifiers: Orphanet 405, MedGen C1809471, MONDO:0018458.

Allele frequency attached by ClinVar (database versions not stated): 1000 Genomes Project 0.00020; 1000 Genomes Project 30x 0.00031; gnomAD 0.00001 and below 0.00001; gnomAD exomes 0.00001 and 0.00003; ExAC 0.00003.
gnomAD v4.1: 14 of 1,614,180 alleles (0.00087%); highest among the groups gnomAD compares: South Asian, 0.013%; no homozygotes.

Submissions (2):

Labcorp Genetics (formerly Invitae), Labcorp
Classification: Likely benign for Familial hypocalciuric hypercalcemia; Autosomal dominant hypocalcemia 1. Last evaluated: 2025-05-05. Review status: criteria provided, single submitter. Criteria: Invitae Variant Classification Sherloc (09022015). Collection method: clinical testing. Allele origin: germline.

Women's Health and Genetics/Laboratory Corporation of America, LabCorp
Classification: Uncertain significance. Last evaluated: 2023-07-27. Review status: criteria provided, single submitter. Criteria: LabCorp Variant Classification Summary - May 2015. Collection method: clinical testing. Allele origin: germline.
Comment: Variant summary: CASR c.1199A>T (p.Asn400Ile) results in a non-conservative amino acid change located in the Receptor, ligand binding region (IPR001828) of the encoded protein sequence. Five of five in-silico tools predict a damaging effect of the variant on protein function. The variant allele was found at a frequency of 2.8e-05 in 251450 control chromosomes (gnomAD). The available data on variant occurrences in the general population are insufficient to allow any conclusion about variant significance. c.1199A>T has been reported in the literature in an individual affected with Autosomal Dominant Hypocalcemia (Mariathasan_2020). These data do not allow any conclusion about variant significance. To our knowledge, no experimental evidence demonstrating an impact on protein function has been reported. The following publication has been ascertained in the context of this evaluation (PMID: 32430905). One submitter has cited a clinical-significance assessment for this variant to ClinVar after 2014 and has classified the variant as uncertain significance. Based on the evidence outlined above, the variant was classified as uncertain significance.

Literature cited by the submitters: PubMed 32430905 (cited by Women's Health and Genetics/Laboratory Corporation of America, LabCorp).

NM_000388.4(CASR):c.1199A>T (p.Asn400Ile)

Gene: CASR (calcium sensing receptor; plus strand). Cytogenetic location: 3q21.1.
Variant type: single nucleotide variant.
Coding change: c.1199A>T on transcript NM_000388.4 (MANE Select); coding-DNA position 1199, A replaced by T.
Protein change: p.Asn400Ile; replaces asparagine 400 with isoleucine.
Molecular consequence: missense variant.
Genome position (GRCh38, 1-based): chr3:122,262,234, A>T. VCF-style: chr3-122262234-A-T. GRCh37 (hg19) VCF-style: chr3-121981081-A-T.
Other names: c.1199A>T, p.Asn400Ile (NM_001178065.2); c.1199A>T (NM_000388.3); short protein forms N400I.
Identifiers: ClinVar variation 1038532 (VCV001038532.10), dbSNP rs576643925, ClinGen allele CA2569611.